The following is an entry in ClinVar:

NM_006361.6(HOXB13):c.740G>A (p.Arg247His)

Gene: HOXB13 (homeobox B13; minus strand). Cytogenetic location: 17q21.32.
Variant type: single nucleotide variant.
Coding change: c.740G>A on transcript NM_006361.6 (MANE Select); coding-DNA position 740, G replaced by A.
Protein change: p.Arg247His; replaces arginine 247 with histidine.
Molecular consequence: missense variant.
Genome position (GRCh38, 1-based): chr17:48,726,905, C>T on the plus strand (G>A on the coding strand, the complement: HOXB13 is on the minus strand). VCF-style: chr17-48726905-C-T. GRCh37 (hg19) VCF-style: chr17-46804267-C-T.
Other names: short protein forms R247H.
Identifiers: ClinVar variation 827025 (VCV000827025.13), dbSNP rs767502912, ClinGen allele CA8633920.

ClinVar aggregate classification (germline): Uncertain significance. Review status: criteria provided, multiple submitters, no conflicts (2 of 4 stars). 3 submissions from 3 submitters: Uncertain significance (3). Last evaluated 2025-12-21.

Conditions:
Hereditary cancer-predisposing syndrome. Also called: Neoplastic Syndromes, Hereditary; Tumor predisposition; Hereditary neoplastic syndrome; Hereditary Cancer Syndrome. Identifiers: Orphanet 140162, MedGen C0027672, MeSH D009386, MONDO:0015356.

Allele frequency attached by ClinVar (database versions not stated): gnomAD 0.00001; gnomAD exomes 0.00001 and 0.00002; TOPMed 0.00001; ExAC 0.00002.
gnomAD v4.1: 16 of 1,613,906 alleles (0.00099%); highest among the groups gnomAD compares: South Asian, 0.014%; no homozygotes.

Submissions (3):

Labcorp Genetics (formerly Invitae), Labcorp
Classification: Uncertain significance. Last evaluated: 2025-12-21. Review status: criteria provided, single submitter. Criteria: Invitae Variant Classification Sherloc (09022015). Collection method: clinical testing. Allele origin: germline.
Comment: This sequence change replaces arginine, which is basic and polar, with histidine, which is basic and polar, at codon 247 of the HOXB13 protein (p.Arg247His). This variant is present in population databases (rs767502912, gnomAD 0.02%). This variant has not been reported in the literature in individuals affected with HOXB13-related conditions. ClinVar contains an entry for this variant (Variation ID: 827025). Invitae Evidence Modeling of protein sequence and biophysical properties (such as structural, functional, and spatial information, amino acid conservation, physicochemical variation, residue mobility, and thermodynamic stability) indicates that this missense variant is expected to disrupt HOXB13 protein function with a positive predictive value of 80%. In summary, the available evidence is currently insufficient to determine the role of this variant in disease. Therefore, it has been classified as a Variant of Uncertain Significance.

GeneDx
Classification: Uncertain significance. Last evaluated: 2024-03-29. Review status: criteria provided, single submitter. Criteria: GeneDx Variant Classification Process June 2021. Collection method: clinical testing. Allele origin: germline. Affected: yes.
Comment: Not observed at significant frequency in large population cohorts (gnomAD); In silico analysis supports that this missense variant has a deleterious effect on protein structure/function; Has not been previously published as pathogenic or benign to our knowledge; This variant is associated with the following publications: (PMID: 19389631, 8756292)

Ambry Genetics
Classification: Uncertain significance for Hereditary cancer-predisposing syndrome. Last evaluated: 2023-12-22. Review status: criteria provided, single submitter. Criteria: Ambry Variant Classification Scheme 2023. Collection method: clinical testing. Allele origin: germline.
Comment: The p.R247H variant (also known as c.740G>A), located in coding exon 2 of the HOXB13 gene, results from a G to A substitution at nucleotide position 740. The arginine at codon 247 is replaced by histidine, an amino acid with highly similar properties. This amino acid position is highly conserved in available vertebrate species. In addition, this alteration is predicted to be deleterious by in silico analysis. Since supporting evidence is limited at this time, the clinical significance of this alteration remains unclear.